The following is an entry in ClinVar:

NM_000075.4(CDK4):c.287T>C (p.Val96Ala)

Gene: CDK4 (cyclin dependent kinase 4; minus strand). Cytogenetic location: 12q14.1.
Variant type: single nucleotide variant.
Coding change: c.287T>C on transcript NM_000075.4 (MANE Select); coding-DNA position 287, T replaced by C.
Protein change: p.Val96Ala; replaces valine 96 with alanine.
Molecular consequence: missense variant.
Genome position (GRCh38, 1-based): chr12:57,751,274, A>G on the plus strand (T>C on the coding strand, the complement: CDK4 is on the minus strand). VCF-style: chr12-57751274-A-G. GRCh37 (hg19) VCF-style: chr12-58145057-A-G.
Other names: short protein forms V96A.
Identifiers: ClinVar variation 949547 (VCV000949547.13), dbSNP rs1955234241, ClinGen allele CA385547948.
Genomic context (GRCh38, chr12:57,751,274, plus strand): 5'-GTTTCGGCTGGCAAGCCTGGTGGGGGTGCCTTGTCCAGATATGTCCTTAGGTCCTGGTCT[A>G]CATGCTCAAACACCAGGGTTACCTTGATCTCCCGGTCAGTTCGGGATGTGGCACAGACGT-3'
Protein context (NP_000066.1, residues 86-106): EIKVTLVFEH[Val96Ala]DQDLRTYLDK

ClinVar aggregate classification (germline): Uncertain significance. Review status: criteria provided, multiple submitters, no conflicts (2 of 4 stars). 3 submissions from 3 submitters: Uncertain significance (3). Last evaluated 2024-10-16.

Conditions:
Familial melanoma. Also called: Hereditary melanoma; Hereditary cutaneous melanoma. Identifiers: Orphanet 618, MedGen C1512419, MONDO:0018961.
Hereditary cancer-predisposing syndrome. Also called: Hereditary neoplastic syndrome; Neoplastic Syndromes, Hereditary; Tumor predisposition; Hereditary Cancer Syndrome. Identifiers: Orphanet 140162, MedGen C0027672, MeSH D009386, MONDO:0015356.

Allele frequency attached by ClinVar (database versions not stated): gnomAD exomes below 0.00001.

Submissions (3):

Labcorp Genetics (formerly Invitae), Labcorp
Classification: Uncertain significance for Familial melanoma. Last evaluated: 2024-10-16. Review status: criteria provided, single submitter. Criteria: Invitae Variant Classification Sherloc (09022015). Collection method: clinical testing. Allele origin: germline.
Comment: This sequence change replaces valine, which is neutral and non-polar, with alanine, which is neutral and non-polar, at codon 96 of the CDK4 protein (p.Val96Ala). This variant is not present in population databases (gnomAD no frequency). This variant has not been reported in the literature in individuals affected with CDK4-related conditions. ClinVar contains an entry for this variant (Variation ID: 949547). An algorithm developed to predict the effect of missense changes on protein structure and function (PolyPhen-2) suggests that this variant is likely to be tolerated. In summary, the available evidence is currently insufficient to determine the role of this variant in disease. Therefore, it has been classified as a Variant of Uncertain Significance.

Ambry Genetics
Classification: Uncertain significance for Hereditary cancer-predisposing syndrome. Last evaluated: 2021-04-07. Review status: criteria provided, single submitter. Criteria: Ambry Variant Classification Scheme 2023. Collection method: clinical testing. Allele origin: germline.
Comment: The p.V96A variant (also known as c.287T>C), located in coding exon 2 of the CDK4 gene, results from a T to C substitution at nucleotide position 287. The valine at codon 96 is replaced by alanine, an amino acid with similar properties. This amino acid position is not well conserved in available vertebrate species. In addition, this alteration is predicted to be tolerated by in silico analysis. Since supporting evidence is limited at this time, the clinical significance of this alteration remains unclear.

GeneDx
Classification: Uncertain significance. Last evaluated: 2019-09-17. Review status: criteria provided, single submitter. Criteria: GeneDx Variant Classification Process June 2021. Collection method: clinical testing. Allele origin: germline. Affected: yes.
Comment: Not observed in large population cohorts (Lek 2016); In silico analysis, which includes protein predictors and evolutionary conservation, supports a deleterious effect; Has not been previously published as pathogenic or benign to our knowledge